The following is an entry in ClinVar:

ClinVar aggregate classification (germline): Likely benign (0 of 4 stars; one submission).

Conditions:
ISM1-related disorder. Also called: ISM1-related condition.

Allele frequency attached by ClinVar (database versions not stated): ESP Exome Variant Server 0.00008; 1000 Genomes Project 30x 0.00016; 1000 Genomes Project 0.00020.
gnomAD v4.1: 243 of 1,613,706 alleles (0.015%); highest among the groups gnomAD compares: Middle Eastern, 0.13%; 1 homozygote.

Submission:

PreventionGenetics, part of Exact Sciences
Classification: Likely benign for ISM1-related condition. Last evaluated: 2023-04-26. Review status: no assertion criteria provided. Collection method: clinical testing. Allele origin: germline.
Comment: This variant is classified as likely benign based on ACMG/AMP sequence variant interpretation guidelines (Richards et al. 2015 PMID: 25741868, with internal and published modifications).

NM_080826.2(ISM1):c.657C>A (p.Gly219=)

Genes: ISM1 (isthmin 1; plus strand), TASP1 (taspase 1; minus strand). Cytogenetic location: 20p12.1.
Variant type: single nucleotide variant.
Coding change: c.657C>A on transcript NM_080826.2 (MANE Select); coding-DNA position 657, C replaced by A.
Protein change: p.Gly219=; no amino-acid change (glycine 219 retained).
Molecular consequence: synonymous variant.
Genome position (GRCh38, 1-based): chr20:13,288,553, C>A. VCF-style: chr20-13288553-C-A. GRCh37 (hg19) VCF-style: chr20-13269200-C-A.
Identifiers: ClinVar variation 3036491 (VCV003036491.2), dbSNP rs200597077, ClinGen allele CA9766279.